The following is an entry in ClinVar:

NM_153252.5(BRWD3):c.1706A>G (p.Asn569Ser)

Gene: BRWD3 (bromodomain and WD repeat domain containing 3; minus strand). Cytogenetic location: Xq21.1.
Variant type: single nucleotide variant.
Coding change: c.1706A>G on transcript NM_153252.5 (MANE Select); coding-DNA position 1706, A replaced by G.
Protein change: p.Asn569Ser; replaces asparagine 569 with serine.
Molecular consequence: missense variant.
Genome position (GRCh38, 1-based): chrX:80,722,732, T>C on the plus strand (A>G on the coding strand, the complement: BRWD3 is on the minus strand). VCF-style: chrX-80722732-T-C. GRCh37 (hg19) VCF-style: chrX-79978231-T-C.
Other names: short protein forms N569S.
Identifiers: ClinVar variation 2975430 (VCV002975430.3), dbSNP rs2520326122, ClinGen allele CA413634544.

ClinVar aggregate classification (germline): Uncertain significance (1 of 4 stars; one submission).

Submission:

Labcorp Genetics (formerly Invitae), Labcorp
Classification: Uncertain significance. Last evaluated: 2023-10-23. Review status: criteria provided, single submitter. Criteria: Invitae Variant Classification Sherloc (09022015). Collection method: clinical testing. Allele origin: germline.
Comment: This sequence change replaces asparagine, which is neutral and polar, with serine, which is neutral and polar, at codon 569 of the BRWD3 protein (p.Asn569Ser). This variant is not present in population databases (gnomAD no frequency). This variant has not been reported in the literature in individuals affected with BRWD3-related conditions. Advanced modeling of protein sequence and biophysical properties (such as structural, functional, and spatial information, amino acid conservation, physicochemical variation, residue mobility, and thermodynamic stability) performed at Invitae indicates that this missense variant is not expected to disrupt BRWD3 protein function with a negative predictive value of 80%. In summary, the available evidence is currently insufficient to determine the role of this variant in disease. Therefore, it has been classified as a Variant of Uncertain Significance.